The following is an entry in ClinVar:

NM_018975.4(TERF2IP):c.497C>T (p.Ala166Val)

Gene: TERF2IP (TERF2 interacting protein; plus strand). Cytogenetic location: 16q23.1.
Variant type: single nucleotide variant.
Coding change: c.497C>T on transcript NM_018975.4 (MANE Select); coding-DNA position 497, C replaced by T.
Protein change: p.Ala166Val; replaces alanine 166 with valine.
Molecular consequence: missense variant. On other transcripts: non-coding transcript variant (1).
Genome position (GRCh38, 1-based): chr16:75,648,379, C>T. VCF-style: chr16-75648379-C-T. GRCh37 (hg19) VCF-style: chr16-75682277-C-T.
Other names: short protein forms A166V.
Identifiers: ClinVar variation 2448548 (VCV002448548.2), dbSNP rs1389394795, ClinGen allele CA396818028.
Genomic context (GRCh38, chr16:75,648,379, plus strand): 5'-CCTACGTGAAGGAAAATGCCCGCTCGCCCAGCTCCGTCACCGGTAACGCCTTGTGGAAAG[C>T]GATGGAGAAGAGCTCGCTCACGCAGCACTCGTGGCAGTCCCTGAAGGACCGCTACCTCAA-3'
Protein context (NP_061848.2, residues 156-176): SSVTGNALWK[Ala166Val]MEKSSLTQHS

ClinVar aggregate classification (germline): Uncertain significance (1 of 4 stars; one submission).

Allele frequency attached by ClinVar (database versions not stated): TOPMed below 0.00001.
gnomAD v4.1: 7 of 1,605,904 alleles (0.00044%); highest among the groups gnomAD compares: South Asian, 0.0056%; no homozygotes.

Submission:

Ambry Genetics
Classification: Uncertain significance. Last evaluated: 2023-02-16. Review status: criteria provided, single submitter. Criteria: Ambry Variant Classification Scheme 2023. Collection method: clinical testing. Allele origin: germline.
Comment: The p.A166V variant (also known as c.497C>T), located in coding exon 1 of the TERF2IP gene, results from a C to T substitution at nucleotide position 497. The alanine at codon 166 is replaced by valine, an amino acid with similar properties. This amino acid position is conserved. In addition, this alteration is predicted to be tolerated by in silico analysis. Since supporting evidence is limited at this time, the clinical significance of this alteration remains unclear.